The following is an entry in ClinVar:

ClinVar aggregate classification (germline): Uncertain significance (0 of 4 stars; one submission).

Conditions:
TRIP11-related disorder. Also called: TRIP11-related condition; TRIP11-Related Disorders.

Submission:

PreventionGenetics, part of Exact Sciences
Classification: Uncertain significance for TRIP11-related condition. Last evaluated: 2024-03-30. Review status: no assertion criteria provided. Collection method: clinical testing. Allele origin: germline.
Comment: The TRIP11 c.3355T>C variant is predicted to result in the amino acid substitution p.Tyr1119His. To our knowledge, this variant has not been reported in the literature or in a large population database, indicating this variant is rare. At this time, the clinical significance of this variant is uncertain due to the absence of conclusive functional and genetic evidence.

NM_004239.4(TRIP11):c.3355T>C (p.Tyr1119His)

Gene: TRIP11 (thyroid hormone receptor interactor 11; minus strand). Cytogenetic location: 14q32.12.
Variant type: single nucleotide variant.
Coding change: c.3355T>C on transcript NM_004239.4 (MANE Select); coding-DNA position 3355, T replaced by C.
Protein change: p.Tyr1119His; replaces tyrosine 1119 with histidine.
Molecular consequence: missense variant.
Genome position (GRCh38, 1-based): chr14:92,004,621, A>G on the plus strand (T>C on the coding strand, the complement: TRIP11 is on the minus strand). VCF-style: chr14-92004621-A-G. GRCh37 (hg19) VCF-style: chr14-92470965-A-G.
Other names: c.3352T>C, p.Tyr1118His (NM_001321851.1); short protein forms Y1118H, Y1119H.
Identifiers: ClinVar variation 3349956 (VCV003349956.1).